The following is an entry in ClinVar:

NM_032043.3(BRIP1):c.2101T>A (p.Leu701Ile)

Gene: BRIP1 (BRCA1 interacting DNA helicase 1; minus strand). Cytogenetic location: 17q23.2.
Variant type: single nucleotide variant.
Coding change: c.2101T>A on transcript NM_032043.3 (MANE Select); coding-DNA position 2101, T replaced by A.
Protein change: p.Leu701Ile; replaces leucine 701 with isoleucine.
Molecular consequence: missense variant.
Genome position (GRCh38, 1-based): chr17:61,744,588, A>T on the plus strand (T>A on the coding strand, the complement: BRIP1 is on the minus strand). VCF-style: chr17-61744588-A-T. GRCh37 (hg19) VCF-style: chr17-59821949-A-T.
Other names: short protein forms L701I.
Identifiers: ClinVar variation 1785930 (VCV001785930.2), dbSNP rs2544839773, ClinGen allele CA400483428.

ClinVar aggregate classification (germline): Uncertain significance (1 of 4 stars; one submission).

Conditions:
Hereditary cancer-predisposing syndrome. Also called: Neoplastic Syndromes, Hereditary; Tumor predisposition; Hereditary Cancer Syndrome; Hereditary neoplastic syndrome. Identifiers: Orphanet 140162, MedGen C0027672, MeSH D009386, MONDO:0015356.

Submission:

Ambry Genetics
Classification: Uncertain significance for Hereditary cancer-predisposing syndrome. Last evaluated: 2022-10-30. Review status: criteria provided, single submitter. Criteria: Ambry Variant Classification Scheme 2023. Collection method: clinical testing. Allele origin: germline.
Comment: The p.L701I variant (also known as c.2101T>A), located in coding exon 14 of the BRIP1 gene, results from a T to A substitution at nucleotide position 2101. The leucine at codon 701 is replaced by isoleucine, an amino acid with highly similar properties. This amino acid position is conserved. In addition, the in silico prediction for this alteration is inconclusive. Since supporting evidence is limited at this time, the clinical significance of this alteration remains unclear.